The following is an entry in ClinVar:

ClinVar aggregate classification (germline): Uncertain significance. Review status: criteria provided, multiple submitters, no conflicts (2 of 4 stars). 5 submissions from 5 submitters: Uncertain significance (3). 2 of the submissions do not count toward it. Last evaluated 2026-01-29.

Conditions:
Autosomal recessive ataxia, Beauce type. Also called: Spinocerebellar ataxia, autosomal recessive 8; ATAXIA, RECESSIVE, OF BEAUCE; SYNE1 Deficiency; SYNE1-Related Autosomal Recessive Cerebellar Ataxia. Identifiers: Orphanet 88644, MedGen C1853116, MONDO:0012549, OMIM 610743.
Emery-Dreifuss muscular dystrophy 4, autosomal dominant (EDMD4). Also called: EMERY-DREIFUSS MUSCULAR DYSTROPHY 4 WITH VARIABLE FEATURES. Identifiers: Orphanet 261, MedGen C2751807, MONDO:0013071, OMIM 612998.

Allele frequency attached by ClinVar (database versions not stated): gnomAD 0.00001; ExAC 0.00002; TOPMed 0.00002; gnomAD exomes 0.00003.
gnomAD v4.1: 42 of 1,614,044 alleles (0.0026%); highest among the groups gnomAD compares: Non-Finnish European, 0.0034%; no homozygotes.

Submissions (5):

Women's Health and Genetics/Laboratory Corporation of America, LabCorp
Classification: Uncertain significance. Last evaluated: 2026-01-29. Review status: criteria provided, single submitter. Criteria: LabCorp Variant Classification Summary - May 2015. Collection method: clinical testing. Allele origin: germline.
Comment: Variant summary: SYNE1 c.20115G>C (p.Trp6705Cys), also known as c.20328G>C (p.Trp6776Cys), results in a non-conservative amino acid change in the encoded protein sequence. Algorithms developed to predict the effect of missense changes on protein structure and function are either unavailable or do not agree on the potential impact of this missense change. The variant allele was found at a frequency of 2.8e-05 in 251428 control chromosomes. The available data on variant occurrences in the general population are insufficient to allow any conclusion about variant significance. These reports do not provide unequivocal conclusions about association of the variant with SYNE1-related disorders. To our knowledge, no experimental evidence demonstrating an impact on protein function has been reported. The following publication has been ascertained in the context of this evaluation (PMID: 31127727). ClinVar contains an entry for this variant (Variation ID: 289642). Based on the evidence outlined above, the variant was classified as uncertain significance.

Labcorp Genetics (formerly Invitae), Labcorp
Classification: Uncertain significance for Emery-Dreifuss muscular dystrophy 4, autosomal dominant; Autosomal recessive ataxia, Beauce type. Last evaluated: 2025-10-02. Review status: criteria provided, single submitter. Criteria: Invitae Variant Classification Sherloc (09022015). Collection method: clinical testing. Allele origin: germline.
Comment: This sequence change replaces tryptophan, which is neutral and slightly polar, with cysteine, which is neutral and slightly polar, at codon 6705 of the SYNE1 protein (p.Trp6705Cys). This variant is present in population databases (rs539439844, gnomAD 0.009%). This missense change has been observed in individual(s) with clinical features of SYNE1-related conditions (PMID: 31127727). This variant is also known as c.20328G>C (p.(Trp6776Cys). ClinVar contains an entry for this variant (Variation ID: 289642). An algorithm developed to predict the effect of missense changes on protein structure and function (PolyPhen-2) suggests that this variant is likely to be disruptive. In summary, the available evidence is currently insufficient to determine the role of this variant in disease. Therefore, it has been classified as a Variant of Uncertain Significance.

Eurofins Ntd Llc (ga)
Classification: Uncertain significance. Last evaluated: 2016-08-22. Review status: criteria provided, single submitter. Criteria: EGL Classification Definitions 2015. Collection method: clinical testing. Allele origin: germline. Observed: 1 variant allele, 1 heterozygote.

Clinical Genetics DNA and cytogenetics Diagnostics Lab, Erasmus MC, Erasmus Medical Center
Classification: Uncertain significance. Review status: no assertion criteria provided. Collection method: clinical testing. Allele origin: germline. Affected: yes. Study: VKGL Data-share Consensus. Not counted in ClinVar's aggregate classification.

Joint Genome Diagnostic Labs from Nijmegen and Maastricht, Radboudumc and MUMC+
Classification: Uncertain significance. Review status: no assertion criteria provided. Collection method: clinical testing. Allele origin: germline. Affected: yes. Study: VKGL Data-share Consensus. Not counted in ClinVar's aggregate classification.

Literature cited by the submitters: PubMed 31127727 (cited by Women's Health and Genetics/Laboratory Corporation of America, LabCorp and Labcorp Genetics (formerly Invitae), Labcorp).

NM_182961.4(SYNE1):c.20328G>C (p.Trp6776Cys)

Gene: SYNE1 (spectrin repeat containing nuclear envelope protein 1; minus strand). Cytogenetic location: 6q25.2.
Variant type: single nucleotide variant.
Coding change: c.20328G>C on transcript NM_182961.4 (MANE Select); coding-DNA position 20328, G replaced by C.
Protein change: p.Trp6776Cys; replaces tryptophan 6776 with cysteine.
Molecular consequence: missense variant.
Genome position (GRCh38, 1-based): chr6:152,236,175, C>G on the plus strand (G>C on the coding strand, the complement: SYNE1 is on the minus strand). VCF-style: chr6-152236175-C-G. GRCh37 (hg19) VCF-style: chr6-152557310-C-G.
Other names: c.20115G>C, p.Trp6705Cys (NM_033071.5); short protein forms W6776C, W6705C.
Identifiers: ClinVar variation 289642 (VCV000289642.12), dbSNP rs539439844, ClinGen allele CA4054450.